The following is an entry in ClinVar:

NM_139076.3(ABRAXAS1):c.140A>T (p.Asp47Val)

Gene: ABRAXAS1 (abraxas 1, BRCA1 A complex subunit; minus strand). Cytogenetic location: 4q21.23.
Variant type: single nucleotide variant.
Coding change: c.140A>T on transcript NM_139076.3 (MANE Select); coding-DNA position 140, A replaced by T.
Protein change: p.Asp47Val; replaces aspartic acid 47 with valine.
Molecular consequence: missense variant. On other transcripts: 5 prime UTR variant (1).
Genome position (GRCh38, 1-based): chr4:83,482,192, T>A on the plus strand (A>T on the coding strand, the complement: ABRAXAS1 is on the minus strand). VCF-style: chr4-83482192-T-A. GRCh37 (hg19) VCF-style: chr4-84403345-T-A.
Other names: c.-121A>T (NM_001345962.2); short protein forms D47V.
Identifiers: ClinVar variation 3229139 (VCV003229139.1), dbSNP rs984303346, ClinGen allele CA100694120.

ClinVar aggregate classification (germline): Uncertain significance (1 of 4 stars; one submission).

Submission:

Ambry Genetics
Classification: Uncertain significance. Last evaluated: 2024-02-27. Review status: criteria provided, single submitter. Criteria: Ambry Variant Classification Scheme 2023. Collection method: clinical testing. Allele origin: germline.
Comment: The p.D47V variant (also known as c.140A>T), located in coding exon 2 of the FAM175A gene, results from an A to T substitution at nucleotide position 140. The aspartic acid at codon 47 is replaced by valine, an amino acid with highly dissimilar properties. This amino acid position is conserved. In addition, this alteration is predicted to be deleterious by in silico analysis. Based on the available evidence, the clinical significance of this alteration remains unclear.